The following is an entry in ClinVar:

NC_000009.12:g.35657786G>A

Gene: RMRP (RNA component of mitochondrial RNA processing endoribonuclease; minus strand). Cytogenetic location: 9p13.3.
Variant type: single nucleotide variant.
Genome position: GRCh38 VCF-style: chr9-35657786-G-A. GRCh37 (hg19) VCF-style: chr9-35657783-G-A.
Identifiers: ClinVar variation 580506 (VCV000580506.12), dbSNP rs1193906088, ClinGen allele CA464450366.

ClinVar aggregate classification (germline): Uncertain significance. Review status: criteria provided, multiple submitters, no conflicts (2 of 4 stars). 2 submissions from 2 submitters: Uncertain significance (2). Last evaluated 2022-08-23.

Conditions:
Anauxetic dysplasia. Identifiers: Orphanet 93347, MedGen C1846796, MONDO:0011773.

Allele frequency attached by ClinVar (database versions not stated): gnomAD exomes below 0.00001 and 0.00001.
gnomAD v4.1: 2 of 697,968 alleles (0.00029%); highest among the groups gnomAD compares: Non-Finnish European, 0.00052%; no homozygotes.

Submissions (2):

Labcorp Genetics (formerly Invitae), Labcorp
Classification: Uncertain significance for Anauxetic dysplasia. Last evaluated: 2022-08-23. Review status: criteria provided, single submitter. Criteria: Invitae Variant Classification Sherloc (09022015). Collection method: clinical testing. Allele origin: germline.
Comment: In summary, the available evidence is currently insufficient to determine the role of this variant in disease. Therefore, it has been classified as a Variant of Uncertain Significance. Experimental studies and prediction algorithms are not available or were not evaluated, and the functional significance of this variant is currently unknown. ClinVar contains an entry for this variant (Variation ID: 580506). This variant has been observed in individual(s) with clinical features of RMRP-related conditions (Invitae). In at least one individual the data is consistent with being in trans (on the opposite chromosome) from a pathogenic variant. This variant is present in population databases (no rsID available, gnomAD 0.002%). This variant occurs in the RMRP gene, which encodes an RNA molecule that does not result in a protein product.

Blueprint Genetics
Classification: Uncertain significance. Last evaluated: 2019-06-03. Review status: criteria provided, single submitter. Criteria: ACMG Guidelines, 2015. Collection method: clinical testing. Allele origin: germline.